The following is an entry in ClinVar:

ClinVar aggregate classification (germline): Uncertain significance (1 of 4 stars; one submission).

Conditions:
Inborn genetic diseases. Identifiers: MedGen C0950123, MeSH D030342.

Allele frequency attached by ClinVar (database versions not stated): gnomAD exomes below 0.00001.
gnomAD v4.1: 5 of 1,614,100 alleles (0.00031%); highest among the groups gnomAD compares: East Asian, 0.0022%; no homozygotes.

Submission:

Ambry Genetics
Classification: Uncertain significance for Inborn genetic diseases. Last evaluated: 2021-03-31. Review status: criteria provided, single submitter. Criteria: Ambry Variant Classification Scheme 2023. Collection method: clinical testing. Allele origin: germline.
Comment: The p.R1120H variant (also known as c.3359G>A), located in coding exon 26 of the SBF2 gene, results from a G to A substitution at nucleotide position 3359. The arginine at codon 1120 is replaced by histidine, an amino acid with highly similar properties. This amino acid position is highly conserved in available vertebrate species. In addition, this alteration is predicted to be deleterious by in silico analysis. Since supporting evidence is limited at this time, the clinical significance of this alteration remains unclear.

NM_030962.4(SBF2):c.3359G>A (p.Arg1120His)

Genes: SBF2 (SET binding factor 2; minus strand), LOC101928008 (uncharacterized LOC101928008; plus strand). Cytogenetic location: 11p15.4.
Variant type: single nucleotide variant.
Coding change: c.3359G>A on transcript NM_030962.4 (MANE Select); coding-DNA position 3359, G replaced by A.
Protein change: p.Arg1120His; replaces arginine 1120 with histidine.
Molecular consequence: missense variant.
Genome position (GRCh38, 1-based): chr11:9,839,594, C>T on the plus strand (G>A on the coding strand, the complement: SBF2 is on the minus strand). VCF-style: chr11-9839594-C-T. GRCh37 (hg19) VCF-style: chr11-9861141-C-T.
Other names: c.3359G>A, p.Arg1120His (NM_001386339.1); c.3230G>A, p.Arg1077His (NM_001386342.1); short protein forms R1077H, R1120H.
Identifiers: ClinVar variation 1730575 (VCV001730575.2), dbSNP rs1374475303, ClinGen allele CA379628630.